The following is an entry in ClinVar:

NM_012309.5(SHANK2):c.3386A>G (p.Glu1129Gly)

Gene: SHANK2 (SH3 and multiple ankyrin repeat domains 2; minus strand). Cytogenetic location: 11q13.3.
Variant type: single nucleotide variant.
Coding change: c.3386A>G on transcript NM_012309.5 (MANE Select); coding-DNA position 3386, A replaced by G.
Protein change: p.Glu1129Gly; replaces glutamic acid 1129 with glycine.
Molecular consequence: missense variant.
Genome position (GRCh38, 1-based): chr11:70,486,907, T>C on the plus strand (A>G on the coding strand, the complement: SHANK2 is on the minus strand). VCF-style: chr11-70486907-T-C. GRCh37 (hg19) VCF-style: chr11-70333012-T-C.
Other names: c.2249A>G, p.Glu750Gly (NM_001379226.1); c.1622A>G, p.Glu541Gly (NM_133266.5); short protein forms E1129G, E541G, E750G.
Identifiers: ClinVar variation 3377899 (VCV003377899.1).

ClinVar aggregate classification (germline): Uncertain significance (1 of 4 stars; one submission).

Submission:

GeneDx
Classification: Uncertain significance. Last evaluated: 2024-05-15. Review status: criteria provided, single submitter. Criteria: GeneDx Variant Classification Process June 2021. Collection method: clinical testing. Allele origin: germline. Affected: yes.
Comment: Not observed at significant frequency in large population cohorts (gnomAD); In silico analysis supports that this missense variant has a deleterious effect on protein structure/function; Has not been previously published as pathogenic or benign to our knowledge